The following is an entry in ClinVar:

NM_001042492.3(NF1):c.2183_2184insC (p.His729fs)

Gene: NF1 (neurofibromin 1; plus strand). Cytogenetic location: 17q11.2.
Variant type: Insertion.
Coding change: c.2183_2184insC on transcript NM_001042492.3 (MANE Select); coding-DNA positions 2183 to 2184, C inserted.
Protein change: p.His729fs; shifts the reading frame from histidine 729.
Molecular consequence: frameshift variant.
Genome position: GRCh38 VCF-style: chr17-31226616-T-TC. GRCh37 (hg19) VCF-style: chr17-29553634-T-TC.
Other names: c.2183_2184insC, p.His729Alafs (NM_000267.4); short protein forms H729fs.
Identifiers: ClinVar variation 2744671 (VCV002744671.3), dbSNP rs2508157798, ClinGen allele CA2697559715.

ClinVar aggregate classification (germline): Pathogenic (1 of 4 stars; one submission).

Conditions:
Neurofibromatosis, type 1 (NF1). Also called: Peripheral type neurofibromatosis; NEUROFIBROMATOSIS, TYPE I, SOMATIC; VON RECKLINGHAUSEN DISEASE; Neurofibromatosis, type I. Identifiers: Orphanet 636, MedGen C0027831, MONDO:0018975, OMIM 162200. Disease mechanism: loss of function.

Submission:

Labcorp Genetics (formerly Invitae), Labcorp
Classification: Pathogenic for Neurofibromatosis, type 1. Last evaluated: 2023-07-18. Review status: criteria provided, single submitter. Criteria: Invitae Variant Classification Sherloc (09022015). Collection method: clinical testing. Allele origin: germline.
Comment: This variant is not present in population databases (gnomAD no frequency). This sequence change creates a premature translational stop signal (p.His729Alafs*2) in the NF1 gene. It is expected to result in an absent or disrupted protein product. Loss-of-function variants in NF1 are known to be pathogenic (PMID: 10712197, 23913538). This variant has not been reported in the literature in individuals affected with NF1-related conditions. For these reasons, this variant has been classified as Pathogenic.

Literature cited by the submitters: PubMed 10712197; PubMed 23913538.